The following is an entry in ClinVar:

NM_000336.3(SCNN1B):c.1697G>A (p.Arg566Gln)

Gene: SCNN1B (sodium channel epithelial 1 subunit beta; plus strand). Cytogenetic location: 16p12.2.
Variant type: single nucleotide variant.
Coding change: c.1697G>A on transcript NM_000336.3 (MANE Select); coding-DNA position 1697, G replaced by A.
Protein change: p.Arg566Gln; replaces arginine 566 with glutamine.
Molecular consequence: missense variant.
Genome position (GRCh38, 1-based): chr16:23,380,575, G>A. VCF-style: chr16-23380575-G-A. GRCh37 (hg19) VCF-style: chr16-23391896-G-A.
Other names: c.1589G>A, p.Arg530Gln (NM_001410900.1); short protein forms R530Q, R566Q.
Identifiers: ClinVar variation 3632555 (VCV003632555.3).

ClinVar aggregate classification (germline): Conflicting classifications of pathogenicity. Review status: criteria provided, conflicting classifications (1 of 4 stars). 2 submissions from 2 submitters: Uncertain significance (1); Likely benign (1). Last evaluated 2024-12-29.

gnomAD v4.1: 130 of 1,614,022 alleles (0.0081%); highest among the groups gnomAD compares: South Asian, 0.023%; 1 homozygote.

Submissions (2):

Labcorp Genetics (formerly Invitae), Labcorp
Classification: Uncertain significance. Last evaluated: 2024-12-29. Review status: criteria provided, single submitter. Criteria: Invitae Variant Classification Sherloc (09022015). Collection method: clinical testing. Allele origin: germline.
Comment: This sequence change replaces arginine, which is basic and polar, with glutamine, which is neutral and polar, at codon 566 of the SCNN1B protein (p.Arg566Gln). This variant is present in population databases (rs368994674, gnomAD 0.04%). This missense change has been observed in individual(s) with early onset hypertension (PMID: 28915228). Invitae Evidence Modeling of protein sequence and biophysical properties (such as structural, functional, and spatial information, amino acid conservation, physicochemical variation, residue mobility, and thermodynamic stability) indicates that this missense variant is not expected to disrupt SCNN1B protein function with a negative predictive value of 80%. In summary, the available evidence is currently insufficient to determine the role of this variant in disease. Therefore, it has been classified as a Variant of Uncertain Significance.

Blueprint Genetics
Classification: Likely benign. Last evaluated: 2024-11-11. Review status: criteria provided, single submitter. Criteria: ACMG Guidelines, 2015. Collection method: clinical testing. Allele origin: germline.

Literature cited by the submitters: PubMed 28915228 (cited by Labcorp Genetics (formerly Invitae), Labcorp).